The following is an entry in ClinVar:

ClinVar aggregate classification (germline): Conflicting classifications of pathogenicity. Review status: criteria provided, conflicting classifications (1 of 4 stars). 4 submissions from 4 submitters: Uncertain significance (3); Likely benign (1). Last evaluated 2025-10-29.

Conditions:
RP1-related disorder. Also called: RP1-related condition.
Inborn genetic diseases. Identifiers: MedGen C0950123, MeSH D030342.

Allele frequency attached by ClinVar (database versions not stated): gnomAD exomes 0.00001; ExAC 0.00002; ESP Exome Variant Server 0.00008; TOPMed 0.00008; gnomAD 0.00010 and 0.00011.
gnomAD v4.1: 30 of 1,613,592 alleles (0.0019%); highest among the groups gnomAD compares: African/African-American, 0.028%; no homozygotes.

Submissions (4):

Labcorp Genetics (formerly Invitae), Labcorp
Classification: Uncertain significance. Last evaluated: 2025-10-29. Review status: criteria provided, single submitter. Criteria: Invitae Variant Classification Sherloc (09022015). Collection method: clinical testing. Allele origin: germline.
Comment: This sequence change replaces isoleucine, which is neutral and non-polar, with threonine, which is neutral and polar, at codon 1988 of the RP1 protein (p.Ile1988Thr). This variant is present in population databases (rs375523653, gnomAD 0.03%). This missense change has been observed in individual(s) with RP1-related conditions (internal data). ClinVar contains an entry for this variant (Variation ID: 936332). An algorithm developed to predict the effect of missense changes on protein structure and function outputs the following: PolyPhen-2: "Benign". The threonine amino acid residue is found in multiple mammalian species, which suggests that this missense change does not adversely affect protein function. In summary, the available evidence is currently insufficient to determine the role of this variant in disease. Therefore, it has been classified as a Variant of Uncertain Significance.

PreventionGenetics, part of Exact Sciences
Classification: Uncertain significance for RP1-related condition. Last evaluated: 2024-12-13. Review status: criteria provided, single submitter. Criteria: ACMG Guidelines, 2015. Collection method: clinical testing. Allele origin: germline.
Comment: The RP1 c.5963T>C variant is predicted to result in the amino acid substitution p.Ile1988Thr. To our knowledge, this variant has not been reported in the literature. This variant is reported in 0.029% of alleles in individuals of African descent in gnomAD. At this time, the clinical significance of this variant is uncertain due to the absence of conclusive functional and genetic evidence.

Blueprint Genetics
Classification: Uncertain significance. Last evaluated: 2024-11-11. Review status: criteria provided, single submitter. Criteria: ACMG Guidelines, 2015. Collection method: clinical testing. Allele origin: germline.

Ambry Genetics
Classification: Likely benign for Inborn genetic diseases. Last evaluated: 2023-12-28. Review status: criteria provided, single submitter. Criteria: Ambry Variant Classification Scheme 2023. Collection method: clinical testing. Allele origin: germline.

NM_006269.2(RP1):c.5963T>C (p.Ile1988Thr)

Genes: RP1 (RP1 axonemal microtubule associated; plus strand), LOC126860392 (CDK7 strongly-dependent group 2 enhancer GRCh37_chr8:55541319-55542518; plus strand). Cytogenetic location: 8q12.1.
Variant type: single nucleotide variant.
Coding change: c.5963T>C on transcript NM_006269.2 (MANE Select); coding-DNA position 5963, T replaced by C.
Protein change: p.Ile1988Thr; replaces isoleucine 1988 with threonine.
Molecular consequence: missense variant. On other transcripts: intron variant (1).
Genome position (GRCh38, 1-based): chr8:54,629,845, T>C. VCF-style: chr8-54629845-T-C. GRCh37 (hg19) VCF-style: chr8-55542405-T-C.
Other names: c.787+7557T>C (NM_001375654.1); short protein forms I1988T.
Identifiers: ClinVar variation 936332 (VCV000936332.11), dbSNP rs375523653, ClinGen allele CA4752157.
Genomic context (GRCh38, chr8:54,629,845, plus strand): 5'-GGGAAGAGAACAATAAAGCAAGTATGAGACAAAATCTTATTGATAATGCCATTGGTGATA[T>C]ATTTGATCAGTTTTATTTCAGTAACACATTTGACTTGATGGGTAAAAGAAGAAAACAAAA-3'
Protein context (NP_006260.1, residues 1978-1998): QNLIDNAIGD[Ile1988Thr]FDQFYFSNTF